The following is an entry in ClinVar:

NM_003126.4(SPTA1):c.1242G>T (p.Gln414His)

Gene: SPTA1 (spectrin alpha, erythrocytic 1; minus strand). Cytogenetic location: 1q23.1.
Variant type: single nucleotide variant.
Coding change: c.1242G>T on transcript NM_003126.4 (MANE Select); coding-DNA position 1242, G replaced by T.
Protein change: p.Gln414His; replaces glutamine 414 with histidine.
Molecular consequence: missense variant.
Genome position (GRCh38, 1-based): chr1:158,674,546, C>A on the plus strand (G>T on the coding strand, the complement: SPTA1 is on the minus strand). VCF-style: chr1-158674546-C-A. GRCh37 (hg19) VCF-style: chr1-158644336-C-A.
Other names: short protein forms Q414H.
Identifiers: ClinVar variation 2631542 (VCV002631542.1), dbSNP rs1265096400, ClinGen allele CA343015469.
Genomic context (GRCh38, chr1:158,674,546, plus strand): 5'-CATTCAGCCAAATAACCTGCCCCCTCCTCCTACTGGGCAGCCTTTCTTCTCTACCTTATG[C>A]TGCTGATGCCTGTCCAGCAGAACTTCTCCACCAGCCACATCTGTTGGCAGCTCATCAGCA-3'
Protein context (NP_003117.2, residues 404-424): GGEVLLDRHQ[Gln414His]HKHEIDSYDD

ClinVar aggregate classification (germline): Uncertain significance (1 of 4 stars; one submission).

Conditions:
SPTA1-related disorder. Also called: SPTA1-related condition; SPTA1-related disorders.

Submission:

PreventionGenetics, part of Exact Sciences
Classification: Uncertain significance for SPTA1-related condition. Last evaluated: 2023-06-30. Review status: criteria provided, single submitter. Criteria: ACMG Guidelines, 2015. Collection method: clinical testing. Allele origin: germline.
Comment: The SPTA1 c.1242G>T variant is predicted to result in the amino acid substitution p.Gln414His. To our knowledge, this variant has not been reported in the literature or in a large population database, indicating this variant is rare. At this time, the clinical significance of this variant is uncertain due to the absence of conclusive functional and genetic evidence.